The following is an entry in ClinVar:

ClinVar aggregate classification (germline): Uncertain significance. Review status: criteria provided, multiple submitters, no conflicts (2 of 4 stars). 2 submissions from 2 submitters: Uncertain significance (2). Last evaluated 2026-09-11.

Conditions:
Hereditary nonpolyposis colorectal neoplasms. Identifiers: MedGen C0009405, MeSH D003123.
Hereditary cancer-predisposing syndrome. Also called: Neoplastic Syndromes, Hereditary; Hereditary Cancer Syndrome; Tumor predisposition; Hereditary neoplastic syndrome. Identifiers: Orphanet 140162, MedGen C0027672, MeSH D009386, MONDO:0015356.

Submissions (2):

Ambry Genetics
Classification: Uncertain significance for Hereditary cancer-predisposing syndrome. Last evaluated: 2026-09-11. Review status: criteria provided, single submitter. Criteria: Ambry Variant Classification Scheme 2023. Collection method: clinical testing. Allele origin: germline.
Comment: The p.S238P variant (also known as c.712T>C), located in coding exon 4 of the MSH6 gene, results from a T to C substitution at nucleotide position 712. The serine at codon 238 is replaced by proline, an amino acid with similar properties. This amino acid position is conserved. In addition, this alteration is predicted to be tolerated by in silico analysis. Based on the available evidence, the clinical significance of this variant remains unclear.

Labcorp Genetics (formerly Invitae), Labcorp
Classification: Uncertain significance for Hereditary nonpolyposis colorectal neoplasms. Last evaluated: 2019-07-26. Review status: criteria provided, single submitter. Criteria: Invitae Variant Classification Sherloc (09022015). Collection method: clinical testing. Allele origin: germline.
Comment: In summary, the available evidence is currently insufficient to determine the role of this variant in disease. Therefore, it has been classified as a Variant of Uncertain Significance. This variant has not been reported in the literature in individuals with MSH6-related conditions. This variant is not present in population databases (ExAC no frequency). Algorithms developed to predict the effect of missense changes on protein structure and function output the following: SIFT: "Tolerated"; PolyPhen-2: "Benign"; Align-GVGD: "Class C0". The proline amino acid residue is found in multiple mammalian species, suggesting that this missense change does not adversely affect protein function. These predictions have not been confirmed by published functional studies and their clinical significance is uncertain. This sequence change replaces serine with proline at codon 238 of the MSH6 protein (p.Ser238Pro). The serine residue is weakly conserved and there is a moderate physicochemical difference between serine and proline.

NM_000179.3(MSH6):c.712T>C (p.Ser238Pro)

Gene: MSH6 (mutS homolog 6; plus strand). Cytogenetic location: 2p16.3.
Variant type: single nucleotide variant.
Coding change: c.712T>C on transcript NM_000179.3 (MANE Select); coding-DNA position 712, T replaced by C.
Protein change: p.Ser238Pro; replaces serine 238 with proline.
Molecular consequence: missense variant. On other transcripts: 5 prime UTR variant (2).
Genome position (GRCh38, 1-based): chr2:47,798,695, T>C. VCF-style: chr2-47798695-T-C. GRCh37 (hg19) VCF-style: chr2-48025834-T-C.
Other names: c.322T>C, p.Ser108Pro (NM_001281492.2); c.-195T>C (NM_001281493.2, NM_001281494.2); short protein forms S108P, S238P.
Identifiers: ClinVar variation 962924 (VCV000962924.12), dbSNP rs1669247534, ClinGen allele CA346739995.